The following is an entry in ClinVar:

NM_007259.5(VPS45):c.1550C>T (p.Thr517Ile)

Gene: VPS45 (vacuolar protein sorting 45 homolog; plus strand). Cytogenetic location: 1q21.2.
Variant type: single nucleotide variant.
Coding change: c.1550C>T on transcript NM_007259.5 (MANE Select); coding-DNA position 1550, C replaced by T.
Protein change: p.Thr517Ile; replaces threonine 517 with isoleucine.
Molecular consequence: missense variant. On other transcripts: non-coding transcript variant (1).
Genome position (GRCh38, 1-based): chr1:150,110,552, C>T. VCF-style: chr1-150110552-C-T. GRCh37 (hg19) VCF-style: chr1-150082667-C-T.
Other names: c.1235C>T, p.Thr412Ile (NM_001279353.2); c.1442C>T, p.Thr481Ile (NM_001279354.2); short protein forms T481I, T412I, T517I.
Identifiers: ClinVar variation 3684746 (VCV003684746.2).

ClinVar aggregate classification (germline): Uncertain significance (1 of 4 stars; one submission).

Conditions:
Congenital neutropenia-myelofibrosis-nephromegaly syndrome. Also called: Severe congenital neutropenia 5, autosomal recessive. Identifiers: Orphanet 369852, MedGen C3809031, MONDO:0014118, OMIM 615285.

gnomAD v4.1: 3 of 1,613,786 alleles (0.00019%); highest among the groups gnomAD compares: Non-Finnish European, 0.00025%; no homozygotes.

Submission:

Labcorp Genetics (formerly Invitae), Labcorp
Classification: Uncertain significance for Congenital neutropenia-myelofibrosis-nephromegaly syndrome. Last evaluated: 2024-11-29. Review status: criteria provided, single submitter. Criteria: Invitae Variant Classification Sherloc (09022015). Collection method: clinical testing. Allele origin: germline.
Comment: This sequence change replaces threonine, which is neutral and polar, with isoleucine, which is neutral and non-polar, at codon 517 of the VPS45 protein (p.Thr517Ile). This variant is not present in population databases (gnomAD no frequency). This variant has not been reported in the literature in individuals affected with VPS45-related conditions. Invitae Evidence Modeling of protein sequence and biophysical properties (such as structural, functional, and spatial information, amino acid conservation, physicochemical variation, residue mobility, and thermodynamic stability) indicates that this missense variant is not expected to disrupt VPS45 protein function with a negative predictive value of 80%. In summary, the available evidence is currently insufficient to determine the role of this variant in disease. Therefore, it has been classified as a Variant of Uncertain Significance.